The following is an entry in ClinVar:

NM_012193.4(FZD4):c.1440A>G (p.Lys480=)

Genes: FZD4 (frizzled class receptor 4; minus strand), PRSS23 (serine protease 23; plus strand). Cytogenetic location: 11q14.2.
Variant type: single nucleotide variant.
Coding change: c.1440A>G on transcript NM_012193.4 (MANE Select); coding-DNA position 1440, A replaced by G.
Protein change: p.Lys480=; no amino-acid change (lysine 480 retained).
Molecular consequence: synonymous variant. On other transcripts: non-coding transcript variant (2).
Genome position (GRCh38, 1-based): chr11:86,951,316, T>C on the plus strand (A>G on the coding strand, the complement: FZD4 is on the minus strand). VCF-style: chr11-86951316-T-C. GRCh37 (hg19) VCF-style: chr11-86662358-T-C.
Identifiers: ClinVar variation 306405 (VCV000306405.15), dbSNP rs751738021, ClinGen allele CA6218321.

ClinVar aggregate classification (germline): Benign/Likely benign. Review status: criteria provided, multiple submitters, no conflicts (2 of 4 stars). 3 submissions from 3 submitters: Benign (1); Likely benign (2). Last evaluated 2026-03-31.

Conditions:
FZD4-related disorder. Also called: FZD4-related condition.
Exudative vitreoretinopathy 1 (EVR1). Also called: CRISWICK-SCHEPENS SYNDROME; FEVR, AUTOSOMAL DOMINANT; Familial exudative vitreoretinopathy, autosomal dominant. Identifiers: Orphanet 891, Orphanet 90050, MedGen C1851402, MONDO:0007589, OMIM 133780.

Allele frequency attached by ClinVar (database versions not stated): ExAC 0.00007; gnomAD 0.00001; gnomAD exomes 0.00002 and 0.00005; TOPMed 0.00002.
gnomAD v4.1: 38 of 1,613,888 alleles (0.0024%); highest among the groups gnomAD compares: South Asian, 0.036%; no homozygotes.

Submissions (3):

PreventionGenetics, part of Exact Sciences
Classification: Likely benign for FZD4-related condition. Last evaluated: 2026-03-31. Review status: criteria provided, single submitter. Criteria: ACMG Guidelines, 2015. Collection method: clinical testing. Allele origin: germline.
Comment: This variant is classified as likely benign based on ACMG/AMP sequence variant interpretation guidelines (Richards et al. 2015 PMID: 25741868, with internal and published modifications).

Labcorp Genetics (formerly Invitae), Labcorp
Classification: Likely benign. Last evaluated: 2025-09-07. Review status: criteria provided, single submitter. Criteria: Invitae Variant Classification Sherloc (09022015). Collection method: clinical testing. Allele origin: germline.

Illumina Laboratory Services, Illumina
Classification: Benign for Exudative vitreoretinopathy 1. Last evaluated: 2018-01-12. Review status: criteria provided, single submitter. Criteria: ICSL Variant Classification Criteria 13 December 2019. Collection method: clinical testing. Allele origin: germline.
Comment: This variant was observed in the ICSL laboratory as part of a predisposition screen in an ostensibly healthy population. It had not been previously curated by ICSL or reported in the Human Gene Mutation Database (HGMD: prior to June 1st, 2018), and was therefore a candidate for classification through an automated scoring system. Utilizing variant allele frequency, disease prevalence and penetrance estimates, and inheritance mode, an automated score was calculated to assess if this variant is too frequent to cause the disease. Based on the score and internal cut-off values, a variant classified as benign is not then subjected to further curation. The score for this variant resulted in a classification of benign for this disease.